The following is an entry in ClinVar:

NM_000393.5(COL5A2):c.1627G>A (p.Gly543Arg)

Gene: COL5A2 (collagen type V alpha 2 chain; minus strand). Cytogenetic location: 2q32.2.
Variant type: single nucleotide variant.
Coding change: c.1627G>A on transcript NM_000393.5 (MANE Select); coding-DNA position 1627, G replaced by A.
Protein change: p.Gly543Arg; replaces glycine 543 with arginine.
Molecular consequence: missense variant.
Genome position (GRCh38, 1-based): chr2:189,064,646, C>T on the plus strand (G>A on the coding strand, the complement: COL5A2 is on the minus strand). VCF-style: chr2-189064646-C-T. GRCh37 (hg19) VCF-style: chr2-189929372-C-T.
Other names: short protein forms G543R.
Identifiers: ClinVar variation 1776724 (VCV001776724.2), dbSNP rs2469300825, ClinGen allele CA349850714.

ClinVar aggregate classification (germline): Uncertain significance (1 of 4 stars; one submission).

Conditions:
Familial thoracic aortic aneurysm and aortic dissection (TAAD). Also called: Thoracic aortic aneurysms and dissections. Identifiers: Orphanet 91387, MedGen C4707243, MONDO:0019625.

Submission:

Ambry Genetics
Classification: Uncertain significance for Familial thoracic aortic aneurysm and aortic dissection. Last evaluated: 2021-01-15. Review status: criteria provided, single submitter. Criteria: Ambry Variant Classification Scheme 2023. Collection method: clinical testing. Allele origin: germline.
Comment: The p.G543R variant (also known as c.1627G>A), located in coding exon 25 of the COL5A2 gene, results from a G to A substitution at nucleotide position 1627. The glycine at codon 543 is replaced by arginine, an amino acid with dissimilar properties. Internal structural analysis indicates that this alteration disrupts the characteristic G-X-Y motif of the triple helical domain in the COL5A2 protein and inserts a bulky side chain into a sterically-constrained region (Bella J et al. Science. 1994;266:75-81; Hohenester E et al. Proc. Natl. Acad. Sci.U.S.A. 2008;105:18273-7; Ambry internal data). Glycine substitutions in the triple helical domain of COL5A2 have been reported in association with classic Ehlers-Danlos syndrome (cEDS), but the number of affected individuals is limited and several other COL5A2 glycine substitutions in the triple helical domain (e.g., p.G951E and p.G831A) are too common for disease in population databases (Symoens S et al. Hum. Mutat., 2012 Oct;33:1485-93; Ritelli M et al. Orphanet J Rare Dis. 2013 Apr;8:58). This amino acid position is highly conserved in available vertebrate species. In addition, this alteration is predicted to be deleterious by in silico analysis. Since supporting evidence is limited at this time, the clinical significance of this alteration remains unclear.